The following is an entry in ClinVar:

NM_003072.5(SMARCA4):c.2837C>A (p.Pro946His)

Gene: SMARCA4 (SWI/SNF related BAF chromatin remodeling complex subunit ATPase 4; plus strand). Cytogenetic location: 19p13.2.
Variant type: single nucleotide variant.
Coding change: c.2837C>A on transcript NM_003072.5 (MANE Select); coding-DNA position 2837, C replaced by A.
Protein change: p.Pro946His; replaces proline 946 with histidine.
Molecular consequence: missense variant. On other transcripts: non-coding transcript variant (1).
Genome position (GRCh38, 1-based): chr19:11,021,945, C>A. VCF-style: chr19-11021945-C-A. GRCh37 (hg19) VCF-style: chr19-11132621-C-A.
Other names: c.2837C>A, p.Pro946His (NM_001411150.1, NM_001128844.3, NM_001128845.2 and 6 more transcripts); short protein forms P946H.
Identifiers: ClinVar variation 4530264 (VCV004530264.1).
Genomic context (GRCh38, chr19:11,021,945, plus strand): 5'-ACTTCCTGCTGCCCACCATCTTCAAGAGCTGCAGCACCTTCGAGCAGTGGTTTAACGCAC[C>A]CTTTGCCATGACCGGGGAAAAGGTGGGTTTGCCCAGCTGTGCCCATGCTGACGGTTCCAG-3'
Protein context (NP_003063.2, residues 936-956): CSTFEQWFNA[Pro946His]FAMTGEKVDL

ClinVar aggregate classification (somatic clinical impact): Tier I - Strong (1 of 4 stars; one submission).

Conditions:
Medulloblastoma non-WNT/non-SHH group 3. Identifiers: MedGen C4330665, MONDO:0956966.

Submission:

Institute for Genomic Medicine (IGM) Clinical Laboratory, Nationwide Children's Hospital
Classification: Tier I - Strong for Medulloblastoma non-WNT/non-SHH group 3. Assertion type: diagnostic. Clinical significance: supports diagnosis. Last evaluated: 2023-02-04. Review status: criteria provided, single submitter. Criteria: AMP/ASCO/CAP Guidelines, 2017. Collection method: clinical testing. Allele origin: somatic. Affected: yes.
Comment: Variant has Tier I (strong) clinical significance as a diagnostic inclusion criterion in medulloblastoma non-WNT/non-SHH group 3, based on the following evidence: 1) Appears in one or more well-established professional guidelines (e.g., World Health Organization [WHO]; National Comprehensive Cancer Network [NCCN]) as providing diagnostic, prognostic, or therapeutic information. 2) Diagnostic for a specific tumor type/classification based on well-powered studies with expert-level consensus (Evidence Level B; PMIDs: 21163964, 28726821, 22820256, 22832583, 22722829, 23432644).

Literature cited by the submitters: PubMed 21163964; PubMed 28726821; PubMed 22820256; PubMed 22832583; PubMed 22722829; PubMed 23432644.